The following is an entry in ClinVar:

ClinVar aggregate classification (germline): Benign/Likely benign. Review status: criteria provided, multiple submitters, no conflicts (2 of 4 stars). 5 submissions from 5 submitters: Benign (1); Likely benign (4). Last evaluated 2026-05-14.

Conditions:
Hereditary cancer-predisposing syndrome. Also called: Tumor predisposition; Hereditary neoplastic syndrome; Neoplastic Syndromes, Hereditary; Hereditary Cancer Syndrome. Identifiers: Orphanet 140162, MedGen C0027672, MeSH D009386, MONDO:0015356.
Cardiovascular phenotype. Identifiers: MedGen CN230736.
Neurofibromatosis, type 1 (NF1). Also called: Neurofibromatosis, type I; NEUROFIBROMATOSIS, TYPE I, SOMATIC; VON RECKLINGHAUSEN DISEASE; Peripheral type neurofibromatosis. Identifiers: Orphanet 636, MedGen C0027831, MONDO:0018975, OMIM 162200. Disease mechanism: loss of function.

Allele frequency attached by ClinVar (database versions not stated): ESP Exome Variant Server 0.00008.
gnomAD v4.1: 3 of 1,614,062 alleles (0.00019%); highest among the groups gnomAD compares: Non-Finnish European, 0.00025%; no homozygotes.

Submissions (5):

Myriad Genetics, Inc.
Classification: Benign for Neurofibromatosis, type 1. Last evaluated: 2026-05-14. Review status: criteria provided, single submitter. Criteria: Myriad Autosomal Dominant, Autosomal Recessive and X-Linked Classification Criteria (2023). Collection method: clinical testing. Allele origin: unknown.
Comment: This variant is considered benign. This variant is a silent/synonymous amino acid change and it is not expected to impact splicing.

Labcorp Genetics (formerly Invitae), Labcorp
Classification: Likely benign for Neurofibromatosis, type 1. Last evaluated: 2025-12-18. Review status: criteria provided, single submitter. Criteria: Invitae Variant Classification Sherloc (09022015). Collection method: clinical testing. Allele origin: germline.

Genome-Nilou Lab
Classification: Likely benign for Neurofibromatosis, type 1. Last evaluated: 2022-03-15. Review status: criteria provided, single submitter. Criteria: ACMG Guidelines, 2015. Collection method: clinical testing. Allele origin: germline. Affected: no.

GeneDx
Classification: Likely benign. Last evaluated: 2018-05-22. Review status: criteria provided, single submitter. Criteria: GeneDx Variant Classification (06012015). Collection method: clinical testing. Allele origin: germline. Affected: yes.
Comment: This variant is considered likely benign or benign based on one or more of the following criteria: it is a conservative change, it occurs at a poorly conserved position in the protein, it is predicted to be benign by multiple in silico algorithms, and/or has population frequency not consistent with disease.

Ambry Genetics
Classification: Likely benign for Cardiovascular phenotype; Hereditary cancer-predisposing syndrome. Last evaluated: 2016-08-08. Review status: criteria provided, single submitter. Criteria: Ambry Variant Classification Scheme 2023. Collection method: clinical testing. Allele origin: germline.

NM_001042492.3(NF1):c.456A>C (p.Ala152=)

Gene: NF1 (neurofibromin 1; plus strand). Cytogenetic location: 17q11.2.
Variant type: single nucleotide variant.
Coding change: c.456A>C on transcript NM_001042492.3 (MANE Select); coding-DNA position 456, A replaced by C.
Protein change: p.Ala152=; no amino-acid change (alanine 152 retained).
Molecular consequence: synonymous variant.
Genome position (GRCh38, 1-based): chr17:31,163,353, A>C. VCF-style: chr17-31163353-A-C. GRCh37 (hg19) VCF-style: chr17-29490371-A-C.
Other names: c.456A>C, p.Ala152= (NM_000267.4, NM_001128147.3).
Identifiers: ClinVar variation 220456 (VCV000220456.16), dbSNP rs377481833, ClinGen allele CA349899.
Genomic context (GRCh38, chr17:31,163,353, plus strand): 5'-TGAACTTCGGAATTCTGCCTCTGGGGTTTTATTTTCTCTCAGCTGCAACAACTTCAATGC[A>C]GTCTTTAGTCGCATTTCTACCAGGTTAGTGTGTAAATCCACATGGGACTACTGAAGTAAT-3'
Protein context (NP_001035957.1, residues 142-162): LFSLSCNNFN[Ala152=]VFSRISTRLQ